The following is an entry in ClinVar:

NM_000288.4(PEX7):c.315A>G (p.Gln105=)

Gene: PEX7 (peroxisomal biogenesis factor 7; plus strand). Cytogenetic location: 6q23.3.
Variant type: single nucleotide variant.
Coding change: c.315A>G on transcript NM_000288.4 (MANE Select); coding-DNA position 315, A replaced by G.
Protein change: p.Gln105=; no amino-acid change (glutamine 105 retained).
Molecular consequence: synonymous variant.
Genome position (GRCh38, 1-based): chr6:136,826,445, A>G. VCF-style: chr6-136826445-A-G. GRCh37 (hg19) VCF-style: chr6-137147583-A-G.
Identifiers: ClinVar variation 754478 (VCV000754478.13), dbSNP rs767901695, ClinGen allele CA452376987.

ClinVar aggregate classification (germline): Likely benign. Review status: criteria provided, multiple submitters, no conflicts (2 of 4 stars). 4 submissions from 4 submitters: Likely benign (4). Last evaluated 2025-12-26.

Conditions:
PEX7-related disorder. Also called: PEX7-related condition; PEX7-related disorders. Identifiers: MedGen CN239409.
Inborn genetic diseases. Identifiers: MedGen C0950123, MeSH D030342.
Peroxisome biogenesis disorder 9B. Also called: Refsum disease, adult, 2; PEX7-Related Refsum Disease; PEROXISOME BIOGENESIS DISORDER, PEX7-RELATED, ATYPICAL. Identifiers: Orphanet 773, MedGen C2749346, MONDO:0013945, OMIM 614879.

gnomAD v4.1: 19 of 1,613,908 alleles (0.0012%); highest among the groups gnomAD compares: South Asian, 0.0033%; no homozygotes.

Submissions (4):

Labcorp Genetics (formerly Invitae), Labcorp
Classification: Likely benign for Peroxisome biogenesis disorder 9B. Last evaluated: 2025-12-26. Review status: criteria provided, single submitter. Criteria: Invitae Variant Classification Sherloc (09022015). Collection method: clinical testing. Allele origin: germline.

Ambry Genetics
Classification: Likely benign for Inborn genetic diseases. Last evaluated: 2025-03-04. Review status: criteria provided, single submitter. Criteria: Ambry Variant Classification Scheme 2023. Collection method: clinical testing. Allele origin: germline.

PreventionGenetics, part of Exact Sciences
Classification: Likely benign for PEX7-related condition. Last evaluated: 2024-10-21. Review status: criteria provided, single submitter. Criteria: ACMG Guidelines, 2015. Collection method: clinical testing. Allele origin: germline.
Comment: This variant is classified as likely benign based on ACMG/AMP sequence variant interpretation guidelines (Richards et al. 2015 PMID: 25741868, with internal and published modifications).

Blueprint Genetics
Classification: Likely benign. Last evaluated: 2023-08-03. Review status: criteria provided, single submitter. Criteria: ACMG Guidelines, 2015. Collection method: clinical testing. Allele origin: germline.